The following is an entry in ClinVar:

ClinVar aggregate classification (germline): Uncertain significance. Review status: criteria provided, multiple submitters, no conflicts (2 of 4 stars). 5 submissions from 5 submitters: Uncertain significance (5). Last evaluated 2026-04-21.

Conditions:
Inborn genetic diseases. Identifiers: MedGen C0950123, MeSH D030342.
3-methylglutaconic aciduria with deafness, encephalopathy, and Leigh-like syndrome (MEGDEL). Also called: SERAC1 Deficiency; MEGDEL syndrome; 3-METHYLGLUTACONIC ACIDURIA, TYPE VI. Identifiers: Orphanet 352328, MedGen C4040739, MONDO:0013875, OMIM 614739.
SERAC1-related disorder. Also called: SERAC1-related disorders; SERAC1-related condition.

Allele frequency attached by ClinVar (database versions not stated): gnomAD exomes 0.00010; ExAC 0.00012; ESP Exome Variant Server 0.00038; 1000 Genomes Project 0.00040; gnomAD 0.00043 and 0.00045; 1000 Genomes Project 30x 0.00047; TOPMed 0.00057.
gnomAD v4.1: 129 of 1,613,090 alleles (0.008%); highest among the groups gnomAD compares: African/African-American, 0.16%; no homozygotes.

Submissions (6):

PreventionGenetics, part of Exact Sciences
Classification: Uncertain significance for SERAC1-related condition. Last evaluated: 2026-04-21. Review status: criteria provided, single submitter. Criteria: ACMG Guidelines, 2015. Collection method: clinical testing. Allele origin: germline.
Comment: The SERAC1 c.1404-3C>G variant is predicted to interfere with splicing. This variant is predicted to impact splicing based on available splicing prediction programs (SpliceAI, Jaganathan et al. 2019. PubMed ID: 30661751). This variant was reported in the homozygous state in an individual with SERAC1-related disorder (Table S2, Maron et al. 2023. PubMed ID: 37432431). This variant is reported in 0.13% of alleles in individuals of African descent in gnomAD. At this time, the clinical significance of this variant is uncertain due to the absence of conclusive functional and genetic evidence.

Labcorp Genetics (formerly Invitae), Labcorp
Classification: Uncertain significance for 3-methylglutaconic aciduria with deafness, encephalopathy, and Leigh-like syndrome. Last evaluated: 2025-01-13. Review status: criteria provided, single submitter. Criteria: Invitae Variant Classification Sherloc (09022015). Collection method: clinical testing. Allele origin: germline.
Comment: This sequence change falls in intron 13 of the SERAC1 gene. It does not directly change the encoded amino acid sequence of the SERAC1 protein. It affects a nucleotide within the consensus splice site. This variant is present in population databases (rs367596327, gnomAD 0.1%). This variant has been observed in individual(s) with SERAC1-related disorders (PMID: 37432431). ClinVar contains an entry for this variant (Variation ID: 857193). Variants that disrupt the consensus splice site are a relatively common cause of aberrant splicing (PMID: 17576681, 9536098). Algorithms developed to predict the effect of sequence changes on RNA splicing suggest that this variant may disrupt the consensus splice site. In summary, the available evidence is currently insufficient to determine the role of this variant in disease. Therefore, it has been classified as a Variant of Uncertain Significance.

GeneDx
Classification: Uncertain significance. Last evaluated: 2023-08-02. Review status: criteria provided, single submitter. Criteria: GeneDx Variant Classification Process June 2021. Collection method: clinical testing. Allele origin: germline. Affected: yes.
Comment: In silico analysis supports a deleterious effect on splicing; Has not been previously published as pathogenic or benign to our knowledge

Genome-Nilou Lab
Classification: Uncertain significance for 3-methylglutaconic aciduria with deafness, encephalopathy, and Leigh-like syndrome. Last evaluated: 2022-03-15. Review status: criteria provided, single submitter. Criteria: ACMG Guidelines, 2015. Collection method: clinical testing. Allele origin: germline. Affected: no.

Ambry Genetics
Classification: Uncertain significance for Inborn genetic diseases. Last evaluated: 2021-10-29. Review status: criteria provided, single submitter. Criteria: Ambry Variant Classification Scheme 2023. Collection method: clinical testing. Allele origin: germline.
Comment: The c.1404-3C>G intronic alteration consists of a C to G substitution 3 nucleotides before exon 14 (coding exon 13) of the SERAC1 gene. Based on insufficient or conflicting evidence, the clinical significance of this alteration remains unclear.

Dr. Peter K. Rogan Lab, Western University
No classification provided (evidence only). Condition: Uterine corpus endometrial carcinoma. Review status: no classification provided. Collection method: in vitro. Allele origin: not applicable. Functional consequence: retained intron. Not counted in ClinVar's aggregate classification.

Literature cited by the submitters: PubMed 37432431 (cited by Labcorp Genetics (formerly Invitae), Labcorp); PubMed 17576681 (cited by Labcorp Genetics (formerly Invitae), Labcorp); PubMed 9536098 (cited by Labcorp Genetics (formerly Invitae), Labcorp).

NM_032861.4(SERAC1):c.1404-3C>G

Gene: SERAC1 (serine active site containing 1; minus strand). Cytogenetic location: 6q25.3.
Variant type: single nucleotide variant.
Coding change: c.1404-3C>G on transcript NM_032861.4 (MANE Select); 3 bases into the intron before coding-DNA position 1404, C replaced by G.
Molecular consequence: intron variant.
Genome position (GRCh38, 1-based): chr6:158,116,285, G>C on the plus strand (C>G on the coding strand, the complement: SERAC1 is on the minus strand). VCF-style: chr6-158116285-G-C. GRCh37 (hg19) VCF-style: chr6-158537317-G-C.
Identifiers: ClinVar variation 857193 (VCV000857193.12), dbSNP rs367596327, ClinGen allele CA4071075.